The following is an entry in ClinVar:

NM_000206.3(IL2RG):c.738G>A (p.Trp246Ter)

Gene: IL2RG (interleukin 2 receptor subunit gamma; minus strand). Cytogenetic location: Xq13.1.
Variant type: single nucleotide variant.
Coding change: c.738G>A on transcript NM_000206.3 (MANE Select); coding-DNA position 738, G replaced by A.
Protein change: p.Trp246Ter; replaces tryptophan 246 with a stop codon.
Molecular consequence: nonsense.
Genome position (GRCh38, 1-based): chrX:71,109,247, C>T on the plus strand (G>A on the coding strand, the complement: IL2RG is on the minus strand). VCF-style: chrX-71109247-C-T. GRCh37 (hg19) VCF-style: chrX-70329097-C-T.
Other names: NM_000206.3(IL2RG):c.738G>A; p.Trp246Ter; short protein forms W246*.
Identifiers: ClinVar variation 1411137 (VCV001411137.8), dbSNP rs2147748109, ClinGen allele CA413495835.

ClinVar aggregate classification (germline): Pathogenic. Review status: reviewed by expert panel (3 of 4 stars). 2 submissions from 2 submitters: Pathogenic (1). 1 of the submissions does not count toward it. Last evaluated 2024-06-13.

Conditions:
X-linked severe combined immunodeficiency (SCIDX1). Also called: IMMUNODEFICIENCY 4; SCID, X-LINKED; SEVERE COMBINED IMMUNODEFICIENCY, X-LINKED, T CELL-NEGATIVE, B CELL-POSITIVE, NK CELL-NEGATIVE; T-B+ severe combined immunodeficiency due to gamma chain deficiency; X-Linked Combined Immunodeficiency Diseases. Identifiers: Orphanet 276, MedGen C6022468, MONDO:0010315, OMIM 300400. Disease mechanism: loss of function.

Submissions (2):

ClinGen Severe Combined Immunodeficiency Variant Curation Expert Panel, ClinGen
Classification: Pathogenic for X-linked severe combined immunodeficiency. Last evaluated: 2024-06-13. Review status: reviewed by expert panel. Criteria: ClinGen SCID ACMG Specifications IL2RG V1.0.0. Collection method: curation. Allele origin: germline. Inheritance: X-linked inheritance.
Comment: The c.738G>A (p.Trp246Ter) variant in IL2RG is a nonsense variant predicted to cause a premature stop codon in biologically relevant exon 5/8, leading to nonsense-mediated decay in a gene in which loss-of-function is an established disease mechanism (PVS1 Met). This variant is absent from gnomAD v4 (PM2_Supporting). At least one proband in the literature presents: Diagnostic criteria for SCID/Leaky SCID/Omenn syndrome met (0.5 pts) + XY male sex (0.5 pts), total is 1 point, PP4 is met. In summary, this variant meets the criteria to be classified as Pathogenic for X-linked T-B+ severe combined immunodeficiency due to gamma chain deficiency based on the ACMG/AMP criteria applied, as specified by the ClinGen SCID VCEP: PVS1, PM2_Supporting, and PP4 (VCEP specifications version 1).

Labcorp Genetics (formerly Invitae), Labcorp
Classification: Pathogenic for X-linked severe combined immunodeficiency. Last evaluated: 2022-07-19. Review status: criteria provided, single submitter. Criteria: Invitae Variant Classification Sherloc (09022015). Collection method: clinical testing. Allele origin: germline. Not counted in ClinVar's aggregate classification.
Comment: This variant is also known as c.829G>A. For these reasons, this variant has been classified as Pathogenic. ClinVar contains an entry for this variant (Variation ID: 1411137). This premature translational stop signal has been observed in individuals with severe combined immunodeficiency (PMID: 10794430, 28109013). This variant is not present in population databases (gnomAD no frequency). This sequence change creates a premature translational stop signal (p.Trp246*) in the IL2RG gene. It is expected to result in an absent or disrupted protein product. Loss-of-function variants in IL2RG are known to be pathogenic (PMID: 9058718, 10794430).

Literature cited by the submitters: PubMed 10794430 (cited by Labcorp Genetics (formerly Invitae), Labcorp); PubMed 28109013 (cited by Labcorp Genetics (formerly Invitae), Labcorp); PubMed 9058718 (cited by Labcorp Genetics (formerly Invitae), Labcorp).